The following is an entry in ClinVar:

NM_001018115.3(FANCD2):c.3224+1G>C

Genes: FANCD2 (FA complementation group D2; plus strand), FANCD2OS (FANCD2 opposite strand; minus strand). Cytogenetic location: 3p25.3.
Variant type: single nucleotide variant.
Coding change: c.3224+1G>C on transcript NM_001018115.3 (MANE Select); the canonical splice donor site of the intron after coding-DNA position 3224, G replaced by C.
Molecular consequence: splice donor variant. On other transcripts: 3 prime UTR variant (1).
Genome position (GRCh38, 1-based): chr3:10,081,465, G>C. VCF-style: chr3-10081465-G-C. GRCh37 (hg19) VCF-style: chr3-10123149-G-C.
Other names: c.*110C>G (NM_173472.2); c.3224+1G>C (NM_001319984.2, NM_033084.6, NM_001374254.1); c.3113+1G>C (NM_001374253.1).
Identifiers: ClinVar variation 2744051 (VCV002744051.3), dbSNP rs1468320596, ClinGen allele CA351749146.

ClinVar aggregate classification (germline): Likely pathogenic (1 of 4 stars; one submission).

Conditions:
Fanconi anemia (FA). Also called: Fanconi's anemia. Identifiers: Orphanet 84, MedGen C0015625, MeSH D005199, MONDO:0019391.

Submission:

Labcorp Genetics (formerly Invitae), Labcorp
Classification: Likely pathogenic for Fanconi anemia. Last evaluated: 2023-10-16. Review status: criteria provided, single submitter. Criteria: Invitae Variant Classification Sherloc (09022015). Collection method: clinical testing. Allele origin: germline.
Comment: This sequence change affects a donor splice site in intron 32 of the FANCD2 gene. It is expected to disrupt RNA splicing. Variants that disrupt the donor or acceptor splice site typically lead to a loss of protein function (PMID: 16199547), and loss-of-function variants in FANCD2 are known to be pathogenic (PMID: 17436244). This variant is not present in population databases (gnomAD no frequency). This variant has not been reported in the literature in individuals affected with FANCD2-related conditions. Algorithms developed to predict the effect of sequence changes on RNA splicing suggest that this variant may disrupt the consensus splice site. In summary, the currently available evidence indicates that the variant is pathogenic, but additional data are needed to prove that conclusively. Therefore, this variant has been classified as Likely Pathogenic.

Literature cited by the submitters: PubMed 16199547; PubMed 17436244.